The following is an entry in ClinVar:

NM_004360.5(CDH1):c.1630A>G (p.Thr544Ala)

Gene: CDH1 (cadherin 1; plus strand). Cytogenetic location: 16q22.1.
Variant type: single nucleotide variant.
Coding change: c.1630A>G on transcript NM_004360.5 (MANE Select); coding-DNA position 1630, A replaced by G.
Protein change: p.Thr544Ala; replaces threonine 544 with alanine.
Molecular consequence: missense variant. On other transcripts: intron variant (1).
Genome position (GRCh38, 1-based): chr16:68,819,344, A>G. VCF-style: chr16-68819344-A-G. GRCh37 (hg19) VCF-style: chr16-68853247-A-G.
Other names: c.1630A>G (LRG_301t1); c.1447A>G, p.Thr483Ala (NM_001317184.2); c.82A>G, p.Thr28Ala (NM_001317185.2); c.-254-2657A>G (NM_001317186.2); short protein forms T544A, T28A, T483A.
Identifiers: ClinVar variation 491505 (VCV000491505.18), dbSNP rs786202107, ClinGen allele CA396465142.

ClinVar aggregate classification (germline): Conflicting classifications of pathogenicity. Review status: criteria provided, conflicting classifications (1 of 4 stars). 7 submissions from 7 submitters: Uncertain significance (5); Likely benign (1). 1 of the submissions does not count toward it. Last evaluated 2025-04-28.

Conditions:
Hereditary cancer-predisposing syndrome. Also called: Hereditary neoplastic syndrome; Hereditary Cancer Syndrome; Tumor predisposition; Neoplastic Syndromes, Hereditary. Identifiers: Orphanet 140162, MedGen C0027672, MeSH D009386, MONDO:0015356.
Hereditary diffuse gastric adenocarcinoma (HDGC). Also called: DIFFUSE GASTRIC AND LOBULAR BREAST CANCER SYNDROME. Identifiers: Orphanet 26106, MedGen C1708349, MONDO:0007648, OMIM 137215.
Carcinoma of colon (CRC). Also called: Colon carcinoma; Colonic carcinoma. Identifiers: MedGen C0699790, MONDO:0002032.

Allele frequency attached by ClinVar (database versions not stated): gnomAD exomes below 0.00001.
gnomAD v4.1: 2 of 1,613,990 alleles (0.00012%); highest among the groups gnomAD compares: Non-Finnish European, 0.00017%; no homozygotes.

Submissions (7):

Labcorp Genetics (formerly Invitae), Labcorp
Classification: Uncertain significance for Hereditary diffuse gastric adenocarcinoma. Last evaluated: 2025-04-28. Review status: criteria provided, single submitter. Criteria: Invitae Variant Classification Sherloc (09022015). Collection method: clinical testing. Allele origin: germline.
Comment: This sequence change replaces threonine, which is neutral and polar, with alanine, which is neutral and non-polar, at codon 544 of the CDH1 protein (p.Thr544Ala). This variant is not present in population databases (gnomAD no frequency). This missense change has been observed in individual(s) with breast cancer (PMID: 34326862). ClinVar contains an entry for this variant (Variation ID: 491505). An algorithm developed to predict the effect of missense changes on protein structure and function (PolyPhen-2) suggests that this variant is likely to be tolerated. In summary, the available evidence is currently insufficient to determine the role of this variant in disease. Therefore, it has been classified as a Variant of Uncertain Significance.

Ambry Genetics
Classification: Likely benign for Hereditary cancer-predisposing syndrome. Last evaluated: 2024-03-14. Review status: criteria provided, single submitter. Criteria: Ambry Variant Classification Scheme 2023. Collection method: clinical testing. Allele origin: germline.

Color Diagnostics, LLC DBA Color Health
Classification: Uncertain significance for Hereditary cancer-predisposing syndrome. Last evaluated: 2023-12-05. Review status: criteria provided, single submitter. Criteria: ACMG Guidelines, 2015. Collection method: clinical testing. Allele origin: germline.
Comment: This missense variant replaces threonine with alanine at codon 544 of the CDH1 protein. To our knowledge, functional studies have not been reported for this variant. This variant has not been reported in individuals affected with CDH1-related disorders in the literature. This variant has not been identified in the general population by the Genome Aggregation Database (gnomAD). The available evidence is insufficient to determine the role of this variant in disease conclusively. Therefore, this variant is classified as a Variant of Uncertain Significance.

Quest Diagnostics Nichols Institute San Juan Capistrano
Classification: Uncertain significance. Last evaluated: 2023-07-18. Review status: criteria provided, single submitter. Criteria: Quest Diagnostics criteria. Collection method: clinical testing. Allele origin: unknown.
Comment: In the published literature, this variant has been reported in an individual who underwent multigene hereditary cancer panel testing (PMID: 34326862 (2021)). In a large scale breast cancer association study, this variant was observed in an unaffected control individual and not among breast cancer cases (PMID: 33471991 (2021), see also LOVD). This variant has not been reported in large, multi-ethnic general populations (Genome Aggregation Database). Analysis of this variant using bioinformatics tools for the prediction of the effect of amino acid changes on protein structure and function yielded predictions that this variant is benign. Based on the available information, we are unable to determine the clinical significance of this variant.

GeneDx
Classification: Uncertain significance. Last evaluated: 2023-06-12. Review status: criteria provided, single submitter. Criteria: GeneDx Variant Classification Process June 2021. Collection method: clinical testing. Allele origin: germline. Affected: yes.
Comment: Not observed at significant frequency in large population cohorts (gnomAD); In silico analysis supports that this missense variant does not alter protein structure/function; Has not been previously published as pathogenic or benign to our knowledge; This variant is associated with the following publications: (PMID: 22850631, 15235021)

Women's Health and Genetics/Laboratory Corporation of America, LabCorp
Classification: Uncertain significance. Last evaluated: 2016-05-16. Review status: criteria provided, single submitter. Criteria: LabCorp Variant Classification Summary - May 2015. Collection method: clinical testing. Allele origin: germline.
Comment: Variant summary: The CDH1 c.1630A>G (p.Thr544Ala) variant involves the alteration of a non-conserved nucleotide. 3/4 in silico tools predict a benign outcome for this missense variant (SNPs&GO not captured due to low reliability index), and chicken has an Ala at codon 544, suggesting that this change may be a functional polymorphism. This variant was absent in 121396 control chromosomes, and has not, to our knowledge, been reported in affected individuals via publications and/or reputable databases/clinical diagnostic laboratories; nor evaluated for functional impact by in vivo/vitro studies. Because of the absence of clinical information and the lack of functional studies, the variant was classified as a variant of uncertain significance (VUS) until additional information becomes available.

Department of Pathology and Laboratory Medicine, Sinai Health System
Classification: Uncertain significance for Carcinoma of colon. Review status: no assertion criteria provided. Collection method: clinical testing. Allele origin: unknown. Affected: yes. Study: The Canadian Open Genetics Repository (COGR). Not counted in ClinVar's aggregate classification.
Comment: The CDH1 p.Thr544Ala variant was not identified in the literature nor was it identified in the dbSNP database. The variant was identified in ClinVar (classified as uncertain significance by Color and Integrated Genetics). The variant was not identified in the following control databases: the Exome Aggregation Consortium (August 8th 2016), or the Genome Aggregation Database (Feb 27, 2017). The p.Thr544 residue is conserved in in mammals but not in more distantly related organisms however computational analyses (PolyPhen-2, SIFT, AlignGVGD, BLOSUM, MutationTaster) do not suggest a high likelihood of impact to the protein; this information is not predictive enough to rule out pathogenicity. The variant occurs outside of the splicing consensus sequence and in silico or computational prediction software programs (SpliceSiteFinder, MaxEntScan, NNSPLICE, GeneSplicer) do not predict a difference in splicing. In summary, based on the above information the clinical significance of this variant cannot be determined with certainty at this time. This variant is classified as a variant of uncertain significance.

Literature cited by the submitters: PubMed 34326862 (cited by 3 submitters).